The following is an entry in ClinVar:

ClinVar aggregate classification (germline): Uncertain significance (1 of 4 stars; one submission).

Allele frequency attached by ClinVar (database versions not stated): gnomAD exomes below 0.00001; ExAC 0.00001.
gnomAD v4.1: 2 of 1,613,996 alleles (0.00012%); highest among the groups gnomAD compares: South Asian, 0.0022%; no homozygotes.

Submission:

Labcorp Genetics (formerly Invitae), Labcorp
Classification: Uncertain significance. Last evaluated: 2019-04-23. Review status: criteria provided, single submitter. Criteria: Invitae Variant Classification Sherloc (09022015). Collection method: clinical testing. Allele origin: germline.
Comment: This variant is present in population databases (rs751191569, ExAC 0.006%). This variant has not been reported in the literature in individuals with RNF216-related conditions. Nucleotide substitutions within the consensus splice site are a relatively common cause of aberrant splicing (PMID: 17576681, 9536098). Algorithms developed to predict the effect of sequence changes on RNA splicing suggest that this variant may disrupt the consensus splice site, but this prediction has not been confirmed by published transcriptional studies. In summary, the available evidence is currently insufficient to determine the role of this variant in disease. Therefore, it has been classified as a Variant of Uncertain Significance. This sequence change falls in intron 7 of the RNF216 gene. It does not directly change the encoded amino acid sequence of the RNF216 protein, but it affects a nucleotide within the consensus splice site of the intron.

Literature cited by the submitters: PubMed 17576681; PubMed 9536098.

NM_207111.4(RNF216):c.1389+4C>G

Gene: RNF216 (ring finger protein 216; minus strand). Cytogenetic location: 7p22.1.
Variant type: single nucleotide variant.
Coding change: c.1389+4C>G on transcript NM_207111.4 (MANE Select); 4 bases into the intron after coding-DNA position 1389, C replaced by G.
Molecular consequence: intron variant.
Genome position (GRCh38, 1-based): chr7:5,729,428, G>C on the plus strand (C>G on the coding strand, the complement: RNF216 is on the minus strand). VCF-style: chr7-5729428-G-C. GRCh37 (hg19) VCF-style: chr7-5769059-G-C.
Other names: c.1218+4C>G (NM_207116.3, NM_001377156.1).
Identifiers: ClinVar variation 841219 (VCV000841219.7), dbSNP rs751191569, ClinGen allele CA4148229.